The following is an entry in ClinVar:

NM_030665.4(RAI1):c.616G>A (p.Gly206Ser)

Gene: RAI1 (retinoic acid induced 1; plus strand). Cytogenetic location: 17p11.2.
Variant type: single nucleotide variant.
Coding change: c.616G>A on transcript NM_030665.4 (MANE Select); coding-DNA position 616, G replaced by A.
Protein change: p.Gly206Ser; replaces glycine 206 with serine.
Molecular consequence: missense variant.
Genome position (GRCh38, 1-based): chr17:17,793,564, G>A. VCF-style: chr17-17793564-G-A. GRCh37 (hg19) VCF-style: chr17-17696878-G-A.
Other names: c.616G>A (NM_030665.3); short protein forms G206S.
Identifiers: ClinVar variation 1417973 (VCV001417973.7), dbSNP rs761553184, ClinGen allele CA8418160.

ClinVar aggregate classification (germline): Conflicting classifications of pathogenicity. Review status: criteria provided, conflicting classifications (1 of 4 stars). 2 submissions from 2 submitters: Uncertain significance (1); Benign (1). Last evaluated 2026-04-27.

Conditions:
RAI1-related disorder. Also called: RAI1-related condition.

Allele frequency attached by ClinVar (database versions not stated): gnomAD 0.00001; gnomAD exomes 0.00001; ExAC 0.00002; TOPMed 0.00004.

Submissions (2):

PreventionGenetics, part of Exact Sciences
Classification: Uncertain significance for RAI1-related condition. Last evaluated: 2026-04-27. Review status: criteria provided, single submitter. Criteria: ACMG Guidelines, 2015. Collection method: clinical testing. Allele origin: germline.
Comment: The RAI1 c.616G>A variant is predicted to result in the amino acid substitution p.Gly206Ser. To our knowledge, this variant has not been reported in the literature. This variant is reported in 0.0058% of alleles in individuals of Latino descent in gnomAD. At this time, the clinical significance of this variant is uncertain due to the absence of conclusive functional and genetic evidence.

Labcorp Genetics (formerly Invitae), Labcorp
Classification: Benign. Last evaluated: 2026-01-06. Review status: criteria provided, single submitter. Criteria: Invitae Variant Classification Sherloc (09022015). Collection method: clinical testing. Allele origin: germline.